The following is an entry in ClinVar:

ClinVar aggregate classification (germline): Uncertain significance (1 of 4 stars; one submission).

Conditions:
Catecholaminergic polymorphic ventricular tachycardia 1. Also called: VENTRICULAR TACHYCARDIA, STRESS-INDUCED POLYMORPHIC 1; RYR2-Related Catecholaminergic Polymorphic Ventricular Tachycardia; VENTRICULAR TACHYCARDIA, CATECHOLAMINERGIC POLYMORPHIC, 1, WITH OR WITHOUT ATRIAL DYSFUNCTION AND/OR DILATED CARDIOMYOPATHY. Identifiers: Orphanet 3286, MedGen C1631597, MONDO:0011484, OMIM 604772.

Allele frequency attached by ClinVar (database versions not stated): gnomAD exomes 0.00001.
gnomAD v4.1: 7 of 1,608,506 alleles (0.00044%); highest among the groups gnomAD compares: Non-Finnish European, 0.0006%; no homozygotes.

Submission:

Labcorp Genetics (formerly Invitae), Labcorp
Classification: Uncertain significance for Catecholaminergic polymorphic ventricular tachycardia 1. Last evaluated: 2023-10-09. Review status: criteria provided, single submitter. Criteria: Invitae Variant Classification Sherloc (09022015). Collection method: clinical testing. Allele origin: germline.
Comment: This sequence change falls in intron 23 of the RYR2 gene. It does not directly change the encoded amino acid sequence of the RYR2 protein. It affects a nucleotide within the consensus splice site. This variant is not present in population databases (gnomAD no frequency). This variant has not been reported in the literature in individuals affected with RYR2-related conditions. Variants that disrupt the consensus splice site are a relatively common cause of aberrant splicing (PMID: 17576681, 9536098). Algorithms developed to predict the effect of sequence changes on RNA splicing suggest that this variant is not likely to affect RNA splicing. In summary, the available evidence is currently insufficient to determine the role of this variant in disease. Therefore, it has been classified as a Variant of Uncertain Significance.

Literature cited by the submitters: PubMed 17576681; PubMed 9536098.

NM_001035.3(RYR2):c.2718+5G>A

Gene: RYR2 (ryanodine receptor 2; plus strand). Cytogenetic location: 1q43.
Variant type: single nucleotide variant.
Coding change: c.2718+5G>A on transcript NM_001035.3 (MANE Select); 5 bases into the intron after coding-DNA position 2718, G replaced by A.
Molecular consequence: intron variant.
Genome position (GRCh38, 1-based): chr1:237,506,819, G>A. VCF-style: chr1-237506819-G-A. GRCh37 (hg19) VCF-style: chr1-237670119-G-A.
Identifiers: ClinVar variation 3019538 (VCV003019538.3), dbSNP rs2545921173, ClinGen allele CA2651200320.